The following is an entry in ClinVar:

NM_000053.4(ATP7B):c.3412+292A>G

Gene: ATP7B (ATPase copper transporting beta; minus strand). Cytogenetic location: 13q14.3.
Variant type: single nucleotide variant.
Coding change: c.3412+292A>G on transcript NM_000053.4 (MANE Select); 292 bases into the intron after coding-DNA position 3412, A replaced by G.
Molecular consequence: intron variant.
Genome position (GRCh38, 1-based): chr13:51,942,094, T>C on the plus strand (A>G on the coding strand, the complement: ATP7B is on the minus strand). VCF-style: chr13-51942094-T-C. GRCh37 (hg19) VCF-style: chr13-52516230-T-C.
Other names: NC_000013.10:g.52516230T>C; c.3079+292A>G (NM_001243182.2); c.2791+292A>G (NM_001005918.3); c.3160+292A>G (NM_001330579.2); c.3178+292A>G (NM_001330578.2).
Identifiers: ClinVar variation 680483 (VCV000680483.2), dbSNP rs3783240, ClinGen allele CA13831188.

ClinVar aggregate classification (germline): Benign (1 of 4 stars; one submission).

Allele frequency attached by ClinVar (database versions not stated): gnomAD 0.69788 and 0.70499; 1000 Genomes Project 0.62520; 1000 Genomes Project 30x 0.63944; TOPMed 0.69881.
gnomAD v4.1: 106,137 of 152,100 alleles (70%); highest among the groups gnomAD compares: Middle Eastern, 73%; 37,336 homozygotes.

Submissions (4):

GeneDx
Classification: Benign. Last evaluated: 2018-06-14. Review status: criteria provided, single submitter. Criteria: GeneDx Variant Classification (06012015). Collection method: clinical testing. Allele origin: germline. Affected: yes.
Comment: This variant is considered likely benign or benign based on one or more of the following criteria: it is a conservative change, it occurs at a poorly conserved position in the protein, it is predicted to be benign by multiple in silico algorithms, and/or has population frequency not consistent with disease.

Dr. Peter K. Rogan Lab, Western University
No classification provided (evidence only). Condition: Lung cancer. Review status: no classification provided. Collection method: in vitro. Allele origin: not applicable. Functional consequence: retained intron. Not counted in ClinVar's aggregate classification.

Dr. Peter K. Rogan Lab, Western University
No classification provided (evidence only). Condition: Uterine carcinosarcoma. Review status: no classification provided. Collection method: in vitro. Allele origin: not applicable. Functional consequence: retained intron. Not counted in ClinVar's aggregate classification.

Dr. Peter K. Rogan Lab, Western University
No classification provided (evidence only). Condition: Uterine carcinosarcoma. Review status: no classification provided. Collection method: in vitro. Allele origin: not applicable. Functional consequence: retained intron. Not counted in ClinVar's aggregate classification.